The following is an entry in ClinVar:

NM_001152.5(SLC25A5):c.877G>T (p.Glu293Ter)

Gene: SLC25A5 (solute carrier family 25 member 5; plus strand). Cytogenetic location: Xq24.
Variant type: single nucleotide variant.
Coding change: c.877G>T on transcript NM_001152.5 (MANE Select); coding-DNA position 877, G replaced by T.
Protein change: p.Glu293Ter; replaces glutamic acid 293 with a stop codon.
Molecular consequence: nonsense.
Genome position (GRCh38, 1-based): chrX:119,471,038, G>T. VCF-style: chrX-119471038-G-T. GRCh37 (hg19) VCF-style: chrX-118605001-G-T.
Other names: short protein forms E293*.
Identifiers: ClinVar variation 3060062 (VCV003060062.2), dbSNP rs73213195, ClinGen allele CA248999.

ClinVar aggregate classification (germline): Benign (0 of 4 stars; one submission).

Conditions:
SLC25A5-related disorder. Also called: SLC25A5-related condition.

Allele frequency attached by ClinVar (database versions not stated): gnomAD exomes 0.01155; 1000 Genomes Project 30x 0.33215.

Submission:

PreventionGenetics, part of Exact Sciences
Classification: Benign for SLC25A5-related condition. Last evaluated: 2019-10-21. Review status: no assertion criteria provided. Collection method: clinical testing. Allele origin: germline.
Comment: This variant is classified as benign based on ACMG/AMP sequence variant interpretation guidelines (Richards et al. 2015 PMID: 25741868, with internal and published modifications).